The following is an entry in ClinVar:

NM_024757.5(EHMT1):c.1069G>A (p.Glu357Lys)

Gene: EHMT1 (euchromatic histone lysine methyltransferase 1; plus strand). Cytogenetic location: 9q34.3.
Variant type: single nucleotide variant.
Coding change: c.1069G>A on transcript NM_024757.5 (MANE Select); coding-DNA position 1069, G replaced by A.
Protein change: p.Glu357Lys; replaces glutamic acid 357 with lysine.
Molecular consequence: missense variant.
Genome position (GRCh38, 1-based): chr9:137,743,989, G>A. VCF-style: chr9-137743989-G-A. GRCh37 (hg19) VCF-style: chr9-140638441-G-A.
Other names: c.1069G>A, p.Glu357Lys (NM_001145527.2, NM_001354611.2); c.976G>A, p.Glu326Lys (NM_001354259.2, NM_001354612.2); c.1048G>A, p.Glu350Lys (NM_001354263.2); c.1069G>A (NM_024757.4); short protein forms E326K, E350K, E357K.
Identifiers: ClinVar variation 2037899 (VCV002037899.7), dbSNP rs773779920, ClinGen allele CA5374491.
Genomic context (GRCh38, chr9:137,743,989, plus strand): 5'-CTGCACGTGAATGGGGAGAGCCTGGAGATGGACTCGGATGAGGACGACTCAGAGGAGCTC[G>A]AGGAGGACGACGGCCATGGTGCAGAGCAGGCGGCCGCGTTCCCCACAGAGGACAGCAGGA-3'
Protein context (NP_079033.4, residues 347-367): DSDEDDSEEL[Glu357Lys]EDDGHGAEQA

ClinVar aggregate classification (germline): Conflicting classifications of pathogenicity. Review status: criteria provided, conflicting classifications (1 of 4 stars). 3 submissions from 3 submitters: Uncertain significance (2); Benign (1). Last evaluated 2025-04-29.

Conditions:
Kleefstra syndrome 1 (KLEFS1). Identifiers: Orphanet 261494, MedGen C0795833, MONDO:0027407, OMIM 610253.

Allele frequency attached by ClinVar (database versions not stated): gnomAD exomes below 0.00001; ExAC 0.00003.

Submissions (3):

Labcorp Genetics (formerly Invitae), Labcorp
Classification: Benign for Kleefstra syndrome 1. Last evaluated: 2025-04-29. Review status: criteria provided, single submitter. Criteria: Invitae Variant Classification Sherloc (09022015). Collection method: clinical testing. Allele origin: germline.

GeneDx
Classification: Uncertain significance. Last evaluated: 2024-03-09. Review status: criteria provided, single submitter. Criteria: GeneDx Variant Classification Process June 2021. Collection method: clinical testing. Allele origin: germline. Affected: yes.
Comment: In silico analysis supports that this missense variant does not alter protein structure/function; Has not been previously published as pathogenic or benign to our knowledge

Women's Health and Genetics/Laboratory Corporation of America, LabCorp
Classification: Uncertain significance. Last evaluated: 2024-03-05. Review status: criteria provided, single submitter. Criteria: LabCorp Variant Classification Summary - May 2015. Collection method: clinical testing. Allele origin: germline.
Comment: Variant summary: EHMT1 c.1069G>A (p.Glu357Lys) results in a conservative amino acid change in the encoded protein sequence. Three of five in-silico tools predict a benign effect of the variant on protein function. The variant allele was found at a frequency of 2e-05 in 251020 control chromosomes (gnomAD). The available data on variant occurrences in the general population are insufficient to allow any conclusion about variant significance. To our knowledge, no occurrence of c.1069G>A in individuals affected with Kleefstra Syndrome 1 and no experimental evidence demonstrating its impact on protein function have been reported. ClinVar contains an entry for this variant (Variation ID: 2037899). Based on the evidence outlined above, the variant was classified as uncertain significance.